The following is an entry in ClinVar:

ClinVar aggregate classification (germline): Benign. Review status: criteria provided, multiple submitters, no conflicts (2 of 4 stars). 3 submissions from 3 submitters: Benign (3). Last evaluated 2026-02-04.

Conditions:
Hypertrophic cardiomyopathy. Also called: HYPERTROPHIC MYOCARDIOPATHY. Identifiers: Orphanet 217569, MedGen C0007194, MeSH D002312, MONDO:0005045, HP:0001639.

Allele frequency attached by ClinVar (database versions not stated): 1000 Genomes Project 0.80032; 1000 Genomes Project 30x 0.80356; ESP Exome Variant Server 0.80730; ExAC 0.80922; TOPMed 0.82047; gnomAD 0.82097.
gnomAD v4.1: 1,279,405 of 1,595,004 alleles (80%); highest among the groups gnomAD compares: Admixed American, 90%; 514,139 homozygotes.

Submissions (3):

Labcorp Genetics (formerly Invitae), Labcorp
Classification: Benign for Hypertrophic cardiomyopathy. Last evaluated: 2026-02-04. Review status: criteria provided, single submitter. Criteria: Invitae Variant Classification Sherloc (09022015). Collection method: clinical testing. Allele origin: germline.

Laboratory for Molecular Medicine, Mass General Brigham Personalized Medicine
Classification: Benign. Last evaluated: 2014-11-24. Review status: criteria provided, single submitter. Criteria: LMM Criteria. Collection method: clinical testing. Allele origin: germline. Observed: 493 variant alleles.
Comment: 4069+13C>A in intron 28 of MYOM1: This variant is not expected to have clinical significance because it is not located within the conserved splice consensus seq uence. It has been identified in 20.3% (1647/8114) of European American chromoso mes from a broad population by the NHLBI Exome Sequencing Project (.; dbSNP rs948298).

Breakthrough Genomics
Classification: Benign. Review status: criteria provided, single submitter. Criteria: ACMG Guidelines, 2015. Collection method: not provided. Allele origin: germline. Inheritance: Unknown mechanism. Affected: yes.

NM_003803.4(MYOM1):c.4069+13C>A

Gene: MYOM1 (myomesin 1; minus strand). Cytogenetic location: 18p11.31.
Variant type: single nucleotide variant.
Coding change: c.4069+13C>A on transcript NM_003803.4 (MANE Select); 13 bases into the intron after coding-DNA position 4069, C replaced by A.
Molecular consequence: intron variant.
Genome position (GRCh38, 1-based): chr18:3,089,524, G>T on the plus strand (C>A on the coding strand, the complement: MYOM1 is on the minus strand). VCF-style: chr18-3089524-G-T. GRCh37 (hg19) VCF-style: chr18-3089522-G-T.
Other names: c.3781+13C>A (NM_019856.2).
Identifiers: ClinVar variation 226821 (VCV000226821.14), dbSNP rs948298, ClinGen allele CA8874076.
Genomic context (GRCh38, chr18:3,089,524, plus strand): 5'-TTATGGAAATAACCTTGGAATCTTTTGTACAAAAAAATTAAAAATTTTCTCTTTATCCAC[G>T]GCCTATTTTTACCTTGTTTCCTGATCCATTCTTGCCGCTGGAATTCAGCTTCTTTCTGGA-3'